The following is an entry in ClinVar:

ClinVar aggregate classification (germline): Benign/Likely benign. Review status: criteria provided, multiple submitters, no conflicts (2 of 4 stars). 7 submissions from 7 submitters: Benign (1); Likely benign (3). 3 of the submissions do not count toward it. Last evaluated 2026-01-10.

Conditions:
Cardiovascular phenotype. Identifiers: MedGen CN230736.
Dilated cardiomyopathy 1DD (CMD1DD). Identifiers: Orphanet 154, MedGen C2750995, MONDO:0013168, OMIM 613172.

Allele frequency attached by ClinVar (database versions not stated): TOPMed 0.00006; gnomAD exomes 0.00009 and 0.00012; ExAC 0.00010; 1000 Genomes Project 30x 0.00016; gnomAD 0.00016 and 0.00017.
gnomAD v4.1: 151 of 1,550,896 alleles (0.0097%); highest among the groups gnomAD compares: East Asian, 0.032%; no homozygotes.

Submissions (7):

Labcorp Genetics (formerly Invitae), Labcorp
Classification: Benign for Dilated cardiomyopathy 1DD. Last evaluated: 2026-01-10. Review status: criteria provided, single submitter. Criteria: Invitae Variant Classification Sherloc (09022015). Collection method: clinical testing. Allele origin: germline.

Blueprint Genetics
Classification: Likely benign. Last evaluated: 2024-10-24. Review status: criteria provided, single submitter. Criteria: ACMG Guidelines, 2015. Collection method: clinical testing. Allele origin: germline.

Phosphorus, Inc.
Classification: Likely benign. Last evaluated: 2022-01-16. Review status: criteria provided, single submitter. Criteria: ACMG Guidelines, 2015. Collection method: clinical testing. Allele origin: germline. Inheritance: Autosomal dominant inheritance.
Comment: This synonymous variant has an entry in ClinVar (263443) NM_001134363.3 (RBM20): c.1455A>G (p.Ser485=) and has occurred in GnomAD with a total MAF of 0.0121% and highest MAF of 0.0864% in the Finnish population. This position is not conserved. In silico splicing algorithm was unavailable, however it is not predicted to impact splicing due to its distance from the splice site. No functional studies were performed to confirm this prediction. The variant has not occurred in literature associated with disease. Considering the above evidence, this variant has been classified as Likely Benign.

Ambry Genetics
Classification: Likely benign for Cardiovascular phenotype. Last evaluated: 2016-03-29. Review status: criteria provided, single submitter. Criteria: Ambry Variant Classification Scheme 2023. Collection method: clinical testing. Allele origin: germline.

Clinical Genetics DNA and cytogenetics Diagnostics Lab, Erasmus MC, Erasmus Medical Center
Classification: Uncertain significance. Review status: no assertion criteria provided. Collection method: clinical testing. Allele origin: germline. Affected: yes. Study: VKGL Data-share Consensus. Not counted in ClinVar's aggregate classification.

Clinical Genetics, Academic Medical Center
Classification: Uncertain significance. Review status: no assertion criteria provided. Collection method: clinical testing. Allele origin: germline. Affected: yes. Study: VKGL Data-share Consensus. Not counted in ClinVar's aggregate classification.

Genome Diagnostics Laboratory, University Medical Center Utrecht
Classification: Uncertain significance. Review status: no assertion criteria provided. Collection method: clinical testing. Allele origin: germline. Affected: yes. Study: VKGL Data-share Consensus. Not counted in ClinVar's aggregate classification.

NM_001134363.3(RBM20):c.1455A>G (p.Ser485=)

Gene: RBM20 (RNA binding motif protein 20; plus strand). Cytogenetic location: 10q25.2.
Variant type: single nucleotide variant.
Coding change: c.1455A>G on transcript NM_001134363.3 (MANE Select); coding-DNA position 1455, A replaced by G.
Protein change: p.Ser485=; no amino-acid change (serine 485 retained).
Molecular consequence: synonymous variant.
Genome position (GRCh38, 1-based): chr10:110,784,817, A>G. VCF-style: chr10-110784817-A-G. GRCh37 (hg19) VCF-style: chr10-112544575-A-G.
Other names: c.1455A>G (LRG_382t1).
Identifiers: ClinVar variation 263443 (VCV000263443.20), dbSNP rs751559376, ClinGen allele CA5688604.